The following is an entry in ClinVar:

NM_001040424.3(PRDM15):c.3246G>A (p.Thr1082=)

Gene: PRDM15 (PR/SET domain 15; minus strand). Cytogenetic location: 21q22.3.
Variant type: single nucleotide variant.
Coding change: c.3246G>A on transcript NM_001040424.3 (MANE Select); coding-DNA position 3246, G replaced by A.
Protein change: p.Thr1082=; no amino-acid change (threonine 1082 retained).
Molecular consequence: synonymous variant. On other transcripts: non-coding transcript variant (4).
Genome position (GRCh38, 1-based): chr21:41,801,420, C>T on the plus strand (G>A on the coding strand, the complement: PRDM15 is on the minus strand). VCF-style: chr21-41801420-C-T. GRCh37 (hg19) VCF-style: chr21-43221580-C-T.
Other names: c.3306G>A, p.Thr1102= (NM_001282934.2); c.3444G>A, p.Thr1148= (NM_022115.7); c.882G>A, p.Thr294= (NM_144771.1).
Identifiers: ClinVar variation 2652685 (VCV002652685.24), dbSNP rs116436673, ClinGen allele CA10035957.

ClinVar aggregate classification (germline): Likely benign (1 of 4 stars; one submission).

Allele frequency attached by ClinVar (database versions not stated): ExAC 0.00056; 1000 Genomes Project 30x 0.00187; ESP Exome Variant Server 0.00215; 1000 Genomes Project 0.00220.
gnomAD v4.1: 498 of 1,613,994 alleles (0.031%); highest among the groups gnomAD compares: African/African-American, 0.56%; 2 homozygotes.

Submission:

CeGaT Center for Human Genetics Tuebingen
Classification: Likely benign. Last evaluated: 2022-05-01. Review status: criteria provided, single submitter. Criteria: CeGaT Center For Human Genetics Tuebingen Variant Classification Criteria Version 2. Collection method: clinical testing. Allele origin: germline. Affected: yes. Observed: 1 variant allele.
Comment: PRDM15: BP4, BP7